The following is an entry in ClinVar:

NM_133497.4(KCNV2):c.184G>A (p.Glu62Lys)

Gene: KCNV2 (potassium voltage-gated channel modifier subfamily V member 2; plus strand). Cytogenetic location: 9p24.2.
Variant type: single nucleotide variant.
Coding change: c.184G>A on transcript NM_133497.4 (MANE Select); coding-DNA position 184, G replaced by A.
Protein change: p.Glu62Lys; replaces glutamic acid 62 with lysine.
Molecular consequence: missense variant.
Genome position (GRCh38, 1-based): chr9:2,717,923, G>A. VCF-style: chr9-2717923-G-A. GRCh37 (hg19) VCF-style: chr9-2717923-G-A.
Other names: c.184G>A (NM_133497.3); short protein forms E62K.
Identifiers: ClinVar variation 2063724 (VCV002063724.5), dbSNP rs777506343, ClinGen allele CA4965353.

ClinVar aggregate classification (germline): Likely benign. Review status: criteria provided, multiple submitters, no conflicts (2 of 4 stars). 2 submissions from 2 submitters: Likely benign (2). Last evaluated 2025-04-16.

Conditions:
KCNV2-related disorder. Also called: KCNV2-related condition.

Allele frequency attached by ClinVar (database versions not stated): gnomAD 0.00003; TOPMed 0.00003; ExAC 0.00005; gnomAD exomes 0.00005.
gnomAD v4.1: 77 of 1,611,206 alleles (0.0048%); highest among the groups gnomAD compares: African/African-American, 0.0013%; no homozygotes.

Submissions (2):

PreventionGenetics, part of Exact Sciences
Classification: Likely benign for KCNV2-related condition. Last evaluated: 2025-04-16. Review status: criteria provided, single submitter. Criteria: ACMG Guidelines, 2015. Collection method: clinical testing. Allele origin: germline.
Comment: This variant is classified as likely benign based on ACMG/AMP sequence variant interpretation guidelines (Richards et al. 2015 PMID: 25741868, with internal and published modifications).

Labcorp Genetics (formerly Invitae), Labcorp
Classification: Likely benign. Last evaluated: 2022-11-15. Review status: criteria provided, single submitter. Criteria: Invitae Variant Classification Sherloc (09022015). Collection method: clinical testing. Allele origin: germline.